The following is an entry in ClinVar:

NM_001371986.1(UNC80):c.600+5G>A

Gene: UNC80 (unc-80 subunit of NALCN channel complex; plus strand). Cytogenetic location: 2q34.
Variant type: single nucleotide variant.
Coding change: c.600+5G>A on transcript NM_001371986.1 (MANE Select); 5 bases into the intron after coding-DNA position 600, G replaced by A.
Molecular consequence: intron variant.
Genome position (GRCh38, 1-based): chr2:209,777,564, G>A. VCF-style: chr2-209777564-G-A. GRCh37 (hg19) VCF-style: chr2-210642288-G-A.
Other names: c.600+5G>A (NM_032504.2, NM_182587.4).
Identifiers: ClinVar variation 377285 (VCV000377285.15), dbSNP rs116203254, ClinGen allele CA2082769.

ClinVar aggregate classification (germline): Benign. Review status: criteria provided, multiple submitters, no conflicts (2 of 4 stars). 3 submissions from 3 submitters: Benign (2). 1 of the submissions does not count toward it. Last evaluated 2026-02-03.

Conditions:
UNC80-related disorder. Also called: UNC80-related condition.

Allele frequency attached by ClinVar (database versions not stated): 1000 Genomes Project 0.00879; ESP Exome Variant Server 0.00907; 1000 Genomes Project 30x 0.00984; gnomAD exomes 0.00205; ExAC 0.00268; gnomAD 0.00744 and 0.00800; TOPMed 0.00810.
gnomAD v4.1: 2,227 of 1,598,946 alleles (0.14%); highest among the groups gnomAD compares: African/African-American, 2.5%; 28 homozygotes.

Submissions (5):

Labcorp Genetics (formerly Invitae), Labcorp
Classification: Benign. Last evaluated: 2026-02-03. Review status: criteria provided, single submitter. Criteria: Invitae Variant Classification Sherloc (09022015). Collection method: clinical testing. Allele origin: germline.

Center for Pediatric Genomic Medicine, Children's Mercy Hospital and Clinics
Classification: Benign. Last evaluated: 2017-01-24. Review status: criteria provided, single submitter. Criteria: ACMG Guidelines, 2015. Collection method: clinical testing. Allele origin: germline.

PreventionGenetics, part of Exact Sciences
Classification: Benign for UNC80-related condition. Last evaluated: 2019-05-21. Review status: no assertion criteria provided. Collection method: clinical testing. Allele origin: germline. Not counted in ClinVar's aggregate classification.
Comment: This variant is classified as benign based on ACMG/AMP sequence variant interpretation guidelines (Richards et al. 2015 PMID: 25741868, with internal and published modifications).

Dr. Peter K. Rogan Lab, Western University
No classification provided (evidence only). Condition: Nonpapillary renal cell carcinoma. Review status: no classification provided. Collection method: in vitro. Allele origin: not applicable. Functional consequence: retained intron. Not counted in ClinVar's aggregate classification.

Dr. Peter K. Rogan Lab, Western University
No classification provided (evidence only). Condition: Thymoma. Review status: no classification provided. Collection method: in vitro. Allele origin: not applicable. Functional consequence: retained intron. Not counted in ClinVar's aggregate classification.